The following is an entry in ClinVar:

ClinVar aggregate classification (germline): Uncertain significance (1 of 4 stars; one submission).

Submission:

GeneDx
Classification: Uncertain significance. Last evaluated: 2025-01-02. Review status: criteria provided, single submitter. Criteria: GeneDx Variant Classification Process June 2021. Collection method: clinical testing. Allele origin: germline. Affected: yes.
Comment: Not observed at significant frequency in large population cohorts (gnomAD); In silico analysis supports that this missense variant has a deleterious effect on protein structure/function; Has not been previously published as pathogenic or benign to our knowledge

NM_001321571.2(CAMK2D):c.645G>C (p.Trp215Cys)

Gene: CAMK2D (calcium/calmodulin dependent protein kinase II delta; minus strand). Cytogenetic location: 4q26.
Variant type: single nucleotide variant.
Coding change: c.645G>C on transcript NM_001321571.2 (MANE Select); coding-DNA position 645, G replaced by C.
Protein change: p.Trp215Cys; replaces tryptophan 215 with cysteine.
Molecular consequence: missense variant.
Genome position (GRCh38, 1-based): chr4:113,517,614, C>G on the plus strand (G>C on the coding strand, the complement: CAMK2D is on the minus strand). VCF-style: chr4-113517614-C-G. GRCh37 (hg19) VCF-style: chr4-114438770-C-G.
Other names: c.645G>C, p.Trp215Cys (NM_001221.4, NM_001321566.2, NM_001321567.2 and 33 more transcripts); c.57G>C, p.Trp19Cys (NM_001321578.2, NM_001321585.2, NM_001399865.1); c.528G>C, p.Trp176Cys (NM_001321581.2, NM_001399859.1, NM_001399860.1 and 2 more transcripts); c.258G>C, p.Trp86Cys (NM_001399863.1, NM_001399864.1); short protein forms W176C, W19C, W215C, W86C.
Identifiers: ClinVar variation 4056943 (VCV004056943.1).